The following is an entry in ClinVar:

ClinVar aggregate classification (germline): Uncertain significance (1 of 4 stars; one submission).

Conditions:
Inborn genetic diseases. Identifiers: MedGen C0950123, MeSH D030342.

Submission:

Ambry Genetics
Classification: Uncertain significance for Inborn genetic diseases. Last evaluated: 2021-02-19. Review status: criteria provided, single submitter. Criteria: Ambry Variant Classification Scheme 2023. Collection method: clinical testing. Allele origin: germline.
Comment: The c.3643A>G (p.M1215V) alteration is located in exon 26 (coding exon 25) of the TRRAP gene. This alteration results from a A to G substitution at nucleotide position 3643, causing the methionine (M) at amino acid position 1215 to be replaced by a valine (V). The p.M1215V alteration is predicted to be tolerated by in silico analysis. Based on insufficient or conflicting evidence, the clinical significance of this alteration remains unclear.

NM_001375524.1(TRRAP):c.3643A>G (p.Met1215Val)

Gene: TRRAP (transformation/transcription domain associated protein; plus strand). Cytogenetic location: 7q22.1.
Variant type: single nucleotide variant.
Coding change: c.3643A>G on transcript NM_001375524.1 (MANE Select); coding-DNA position 3643, A replaced by G.
Protein change: p.Met1215Val; replaces methionine 1215 with valine.
Molecular consequence: missense variant.
Genome position (GRCh38, 1-based): chr7:98,931,456, A>G. VCF-style: chr7-98931456-A-G. GRCh37 (hg19) VCF-style: chr7-98529079-A-G.
Other names: c.3643A>G, p.Met1215Val (NM_001244580.2, NM_003496.4); short protein forms M1215V.
Identifiers: ClinVar variation 2228642 (VCV002228642.2), dbSNP rs2484782776, ClinGen allele CA368301527.
Genomic context (GRCh38, chr7:98,931,456, plus strand): 5'-GACTTGCAGGTTTCCAATGGGGCAGTCGCTATGGCAAAGACCACGCTGGAGCAGCTTCTG[A>G]TGCGGTGCGCAACGCCTTTAAAAGACGAGGAGAGAGCCGAAGAGATCGTGGCCGCCCAGG-3'
Protein context (NP_001362453.1, residues 1205-1225): MAKTTLEQLL[Met1215Val]RCATPLKDEE